The following is an entry in ClinVar:

NM_000138.5(FBN1):c.5200G>A (p.Glu1734Lys)

Gene: FBN1 (fibrillin 1; minus strand). Cytogenetic location: 15q21.1.
Variant type: single nucleotide variant.
Coding change: c.5200G>A on transcript NM_000138.5 (MANE Select); coding-DNA position 5200, G replaced by A.
Protein change: p.Glu1734Lys; replaces glutamic acid 1734 with lysine.
Molecular consequence: missense variant.
Genome position (GRCh38, 1-based): chr15:48,463,106, C>T on the plus strand (G>A on the coding strand, the complement: FBN1 is on the minus strand). VCF-style: chr15-48463106-C-T. GRCh37 (hg19) VCF-style: chr15-48755303-C-T.
Other names: c.5200G>A, p.Glu1734Lys (NM_001406716.1); short protein forms E1734K.
Identifiers: ClinVar variation 2921441 (VCV002921441.3), dbSNP rs2505490891, ClinGen allele CA392349058.

ClinVar aggregate classification (germline): Uncertain significance (1 of 4 stars; one submission).

Conditions:
Marfan syndrome (MFS). Also called: MARFAN SYNDROME, TYPE I; Marfan syndrome type 1; Marfan's syndrome; Marfan syndrome, classic; FBN1-Related Marfan Syndrome. Identifiers: Orphanet 284963, Orphanet 558, MedGen C0024796, MONDO:0007947, OMIM 154700.
Familial thoracic aortic aneurysm and aortic dissection (TAAD). Also called: Thoracic aortic aneurysms and dissections. Identifiers: Orphanet 91387, MedGen C4707243, MONDO:0019625.

Submission:

Labcorp Genetics (formerly Invitae), Labcorp
Classification: Uncertain significance for Marfan syndrome; Familial thoracic aortic aneurysm and aortic dissection. Last evaluated: 2024-10-24. Review status: criteria provided, single submitter. Criteria: Invitae Variant Classification Sherloc (09022015). Collection method: clinical testing. Allele origin: germline.
Comment: This sequence change replaces glutamic acid, which is acidic and polar, with lysine, which is basic and polar, at codon 1734 of the FBN1 protein (p.Glu1734Lys). This variant is not present in population databases (gnomAD no frequency). This variant has not been reported in the literature in individuals affected with FBN1-related conditions. Invitae Evidence Modeling of protein sequence and biophysical properties (such as structural, functional, and spatial information, amino acid conservation, physicochemical variation, residue mobility, and thermodynamic stability) indicates that this missense variant is expected to disrupt FBN1 protein function with a positive predictive value of 95%. In summary, the available evidence is currently insufficient to determine the role of this variant in disease. Therefore, it has been classified as a Variant of Uncertain Significance.